The following is an entry in ClinVar:

NM_145207.3(AFG2A):c.1999T>C (p.Tyr667His)

Gene: AFG2A (AFG2 AAA ATPase homolog A; plus strand). Cytogenetic location: 4q28.1.
Variant type: single nucleotide variant.
Coding change: c.1999T>C on transcript NM_145207.3 (MANE Select); coding-DNA position 1999, T replaced by C.
Protein change: p.Tyr667His; replaces tyrosine 667 with histidine.
Molecular consequence: missense variant.
Genome position (GRCh38, 1-based): chr4:123,028,315, T>C. VCF-style: chr4-123028315-T-C. GRCh37 (hg19) VCF-style: chr4-123949470-T-C.
Other names: c.1996T>C, p.Tyr666His (NM_001317799.2, NM_001345856.2); short protein forms Y666H, Y667H.
Identifiers: ClinVar variation 1302637 (VCV001302637.3), dbSNP rs1729146754, ClinGen allele CA358102686.

ClinVar aggregate classification (germline): Uncertain significance (1 of 4 stars; one submission).

Allele frequency attached by ClinVar (database versions not stated): gnomAD exomes below 0.00001; gnomAD 0.00001.
gnomAD v4.1: 3 of 1,614,048 alleles (0.00019%); highest among the groups gnomAD compares: Non-Finnish European, 0.00025%; no homozygotes.

Submission:

GeneDx
Classification: Uncertain significance. Last evaluated: 2019-05-14. Review status: criteria provided, single submitter. Criteria: GeneDx Variant Classification Process June 2021. Collection method: clinical testing. Allele origin: germline. Affected: yes.
Comment: Not observed in large population cohorts (Lek et al., 2016); In silico analysis, which includes protein predictors and evolutionary conservation, supports a deleterious effect; Has not been previously published as pathogenic or benign to our knowledge